The following is an entry in ClinVar:

ClinVar aggregate classification (germline): Uncertain significance (1 of 4 stars; one submission).

Conditions:
Hereditary spastic paraplegia 4. Also called: Familial spastic paraplegia autosomal dominant 2; Spastic paraplegia 4, autosomal dominant; Spastic Paraplegia 4. Identifiers: Orphanet 100985, MedGen C1866855, MONDO:0008438, OMIM 182601.

Submission:

Labcorp Genetics (formerly Invitae), Labcorp
Classification: Uncertain significance for Hereditary spastic paraplegia 4. Last evaluated: 2024-11-18. Review status: criteria provided, single submitter. Criteria: Invitae Variant Classification Sherloc (09022015). Collection method: clinical testing. Allele origin: germline.
Comment: This sequence change replaces proline, which is neutral and non-polar, with histidine, which is basic and polar, at codon 22 of the SPAST protein (p.Pro22His). This variant is not present in population databases (gnomAD no frequency). This variant has not been reported in the literature in individuals affected with SPAST-related conditions. Invitae Evidence Modeling of protein sequence and biophysical properties (such as structural, functional, and spatial information, amino acid conservation, physicochemical variation, residue mobility, and thermodynamic stability) has been performed for this missense variant. However, the output from this modeling did not meet the statistical confidence thresholds required to predict the impact of this variant on SPAST protein function. In summary, the available evidence is currently insufficient to determine the role of this variant in disease. Therefore, it has been classified as a Variant of Uncertain Significance.

NM_014946.4(SPAST):c.65C>A (p.Pro22His)

Gene: SPAST (spastin; plus strand). Cytogenetic location: 2p22.3.
Variant type: single nucleotide variant.
Coding change: c.65C>A on transcript NM_014946.4 (MANE Select); coding-DNA position 65, C replaced by A.
Protein change: p.Pro22His; replaces proline 22 with histidine.
Molecular consequence: missense variant.
Genome position (GRCh38, 1-based): chr2:32,063,896, C>A. VCF-style: chr2-32063896-C-A. GRCh37 (hg19) VCF-style: chr2-32288965-C-A.
Other names: c.65C>A, p.Pro22His (NM_001363823.2, NM_001363875.2, NM_001377959.1 and 1 more transcripts); short protein forms P22H.
Identifiers: ClinVar variation 3610923 (VCV003610923.2).